The following is an entry in ClinVar:

ClinVar aggregate classification (germline): Uncertain significance (1 of 4 stars; one submission).

Conditions:
Aicardi-Goutieres syndrome 7 (AGS7). Identifiers: Orphanet 51, MedGen C3888244, MONDO:0014367, OMIM 615846.
Singleton-Merten syndrome 1 (SGMRT1). Also called: Widened medullary cavities of bone, aortic calcification, abnormal dentition, and muscular weakness; Syndrome of widened medullary cavities of the metacarpals and phalanges, aortic calcification and abnormal dentition. Identifiers: Orphanet 85191, MedGen C4225427, MONDO:0024535, OMIM 182250.

Allele frequency attached by ClinVar (database versions not stated): gnomAD 0.00003.
gnomAD v4.1: 30 of 1,608,042 alleles (0.0019%); highest among the groups gnomAD compares: Non-Finnish European, 0.0023%; no homozygotes.

Submission:

Labcorp Genetics (formerly Invitae), Labcorp
Classification: Uncertain significance for Aicardi-Goutieres syndrome 7; Singleton-Merten syndrome 1. Last evaluated: 2026-01-11. Review status: criteria provided, single submitter. Criteria: Invitae Variant Classification Sherloc (09022015). Collection method: clinical testing. Allele origin: germline.
Comment: This sequence change falls in intron 13 of the IFIH1 gene. It does not directly change the encoded amino acid sequence of the IFIH1 protein. It affects a nucleotide within the consensus splice site. This variant is present in population databases (rs761784724, gnomAD 0.01%). This variant has not been reported in the literature in individuals affected with IFIH1-related conditions. ClinVar contains an entry for this variant (Variation ID: 654003). Variants that disrupt the consensus splice site are a relatively common cause of aberrant splicing (PMID: 17576681, 9536098). Algorithms developed to predict the effect of sequence changes on RNA splicing suggest that this variant is not likely to affect RNA splicing. In summary, the available evidence is currently insufficient to determine the role of this variant in disease. Therefore, it has been classified as a Variant of Uncertain Significance.

Literature cited by the submitters: PubMed 17576681; PubMed 9536098.

NM_022168.4(IFIH1):c.2616+6G>T

Gene: IFIH1 (interferon induced with helicase C domain 1; minus strand). Cytogenetic location: 2q24.2.
Variant type: single nucleotide variant.
Coding change: c.2616+6G>T on transcript NM_022168.4 (MANE Select); 6 bases into the intron after coding-DNA position 2616, G replaced by T.
Molecular consequence: intron variant.
Genome position (GRCh38, 1-based): chr2:162,272,220, C>A on the plus strand (G>T on the coding strand, the complement: IFIH1 is on the minus strand). VCF-style: chr2-162272220-C-A. GRCh37 (hg19) VCF-style: chr2-163128730-C-A.
Other names: c.2616+6G>T (LRG_1235t1).
Identifiers: ClinVar variation 654003 (VCV000654003.8), dbSNP rs761784724, ClinGen allele CA1934130.